The following is an entry in ClinVar:

NM_000153.4(GALC):c.1162-197T>C

Gene: GALC (galactosylceramidase; minus strand). Cytogenetic location: 14q31.3.
Variant type: single nucleotide variant.
Coding change: c.1162-197T>C on transcript NM_000153.4 (MANE Select); 197 bases into the intron before coding-DNA position 1162, T replaced by C.
Molecular consequence: intron variant.
Genome position (GRCh38, 1-based): chr14:87,950,945, A>G on the plus strand (T>C on the coding strand, the complement: GALC is on the minus strand). VCF-style: chr14-87950945-A-G. GRCh37 (hg19) VCF-style: chr14-88417289-A-G.
Other names: c.1084-197T>C (NM_001201402.2); c.1093-197T>C (NM_001201401.2).
Identifiers: ClinVar variation 680296 (VCV000680296.1), dbSNP rs428542, ClinGen allele CA16496471.

ClinVar aggregate classification (germline): Benign (1 of 4 stars; one submission).

Allele frequency attached by ClinVar (database versions not stated): TOPMed 0.95412; 1000 Genomes Project 30x 0.95456; gnomAD 0.95592 and 0.95887; 1000 Genomes Project 0.95707.

Submission:

GeneDx
Classification: Benign. Last evaluated: 2018-06-19. Review status: criteria provided, single submitter. Criteria: GeneDx Variant Classification (06012015). Collection method: clinical testing. Allele origin: germline. Affected: yes.
Comment: This variant is considered likely benign or benign based on one or more of the following criteria: it is a conservative change, it occurs at a poorly conserved position in the protein, it is predicted to be benign by multiple in silico algorithms, and/or has population frequency not consistent with disease.